The following is an entry in ClinVar:

NM_015450.3(POT1):c.255+3A>T

Gene: POT1 (protection of telomeres 1; minus strand). Cytogenetic location: 7q31.33.
Variant type: single nucleotide variant.
Coding change: c.255+3A>T on transcript NM_015450.3 (MANE Select); 3 bases into the intron after coding-DNA position 255, A replaced by T.
Molecular consequence: intron variant.
Genome position (GRCh38, 1-based): chr7:124,870,908, T>A on the plus strand (A>T on the coding strand, the complement: POT1 is on the minus strand). VCF-style: chr7-124870908-T-A. GRCh37 (hg19) VCF-style: chr7-124510962-T-A.
Other names: c.-138-7268A>T (NM_001042594.2).
Identifiers: ClinVar variation 3423097 (VCV003423097.1).

ClinVar aggregate classification (germline): Uncertain significance (1 of 4 stars; one submission).

Conditions:
Hereditary cancer-predisposing syndrome. Also called: Neoplastic Syndromes, Hereditary; Tumor predisposition; Hereditary Cancer Syndrome; Hereditary neoplastic syndrome. Identifiers: Orphanet 140162, MedGen C0027672, MeSH D009386, MONDO:0015356.

Submission:

Ambry Genetics
Classification: Uncertain significance for Hereditary cancer-predisposing syndrome. Last evaluated: 2024-07-02. Review status: criteria provided, single submitter. Criteria: Ambry Variant Classification Scheme 2023. Collection method: clinical testing. Allele origin: germline.
Comment: The c.255+3A>T intronic variant results from an A to T substitution 3 nucleotides after coding exon 3 in the POT1 gene. This nucleotide position is highly conserved in available vertebrate species. In silico splice site analysis predicts that this alteration will weaken the native splice donor site; however, direct evidence is insufficient at this time (Ambry internal data). Based on the available evidence, the clinical significance of this variant remains unclear.